The following is an entry in ClinVar:

ClinVar aggregate classification (germline): Likely pathogenic. Review status: criteria provided, multiple submitters, no conflicts (2 of 4 stars). 3 submissions from 3 submitters: Likely pathogenic (3). Last evaluated 2024-08-28.

Conditions:
Hereditary cancer-predisposing syndrome. Also called: Hereditary neoplastic syndrome; Neoplastic Syndromes, Hereditary; Tumor predisposition; Hereditary Cancer Syndrome. Identifiers: Orphanet 140162, MedGen C0027672, MeSH D009386, MONDO:0015356.
Breast-ovarian cancer, familial, susceptibility to, 3. Also called: RAD51C-Related Breast/Ovarian Cancer. Identifiers: Orphanet 145, MedGen C3150659, MONDO:0013253, OMIM 613399.

Submissions (3):

Ambry Genetics
Classification: Likely pathogenic for Hereditary cancer-predisposing syndrome. Last evaluated: 2024-08-28. Review status: criteria provided, single submitter. Criteria: Ambry Variant Classification Scheme 2023. Collection method: clinical testing. Allele origin: germline.
Comment: The c.571+1G>T intronic variant results from a G to T substitution one nucleotide after coding exon 3 of the RAD51C gene. This variant is considered to be rare based on population cohorts in the Genome Aggregation Database (gnomAD). This nucleotide position is well conserved in available vertebrate species. In silico splice site analysis predicts that this alteration will weaken the native splice donor site; however, direct evidence is insufficient at this time (Ambry internal data). Alterations that disrupt the canonical splice site are expected to cause aberrant splicing, resulting in an abnormal protein or a transcript that is subject to nonsense-mediated mRNA decay. As such, this alteration is classified as likely pathogenic.

Myriad Genetics, Inc.
Classification: Likely pathogenic for Breast-ovarian cancer, familial, susceptibility to, 3. Last evaluated: 2024-01-03. Review status: criteria provided, single submitter. Criteria: Myriad Autosomal Dominant, Autosomal Recessive and X-Linked Classification Criteria (2023). Collection method: clinical testing. Allele origin: unknown.
Comment: This variant is considered likely pathogenic. This variant occurs within a consensus splice junction and is predicted to result in abnormal mRNA splicing of either an out-of-frame exon or an in-frame exon necessary for protein stability and/or normal function.

GeneDx
Classification: Likely pathogenic. Last evaluated: 2016-01-21. Review status: criteria provided, single submitter. Criteria: GeneDx Variant Classification (06012015). Collection method: clinical testing. Allele origin: germline. Affected: yes.
Comment: This variant is denoted RAD51C c.571+1G>T or IVS3+1G>T and consists of a G>T nucleotide substitution at the +1 position of intron 3 of the RAD51C gene. This variant destroys a canonical splice donor site and is predicted to cause abnormal gene splicing, leading to either an abnormal message that is subject to nonsense-mediated mRNA decay or to an abnormal protein product. This variant has not, to our knowledge, been published in the literature. Based on the currently available information, we consider RAD51C c.571+1G>T to be a likely pathogenic variant.

NM_058216.3(RAD51C):c.571+1G>T

Gene: RAD51C (RAD51 paralog C; plus strand). Cytogenetic location: 17q22.
Variant type: single nucleotide variant.
Coding change: c.571+1G>T on transcript NM_058216.3 (MANE Select); the canonical splice donor site of the intron after coding-DNA position 571, G replaced by T.
Molecular consequence: splice donor variant.
Genome position (GRCh38, 1-based): chr17:58,696,860, G>T. VCF-style: chr17-58696860-G-T. GRCh37 (hg19) VCF-style: chr17-56774221-G-T.
Identifiers: ClinVar variation 246338 (VCV000246338.4), dbSNP rs746870368, ClinGen allele CA10584581.
Genomic context (GRCh38, chr17:58,696,860, plus strand): 5'-ACCTTGCTACTGCCTGCATTCAGCACCTTCAGCTTATAGCAGAAAAACACAAGGGAGAGG[G>T]TAAGTTAGTAAATGATCTTCTTTTTTTCTGTATTAATAAAAGTAATTTGCATTTGTGCCC-3'